The following is an entry in ClinVar:

NM_002772.3(TMPRSS15):c.479A>G (p.Asn160Ser)

Gene: TMPRSS15 (transmembrane serine protease 15; minus strand). Cytogenetic location: 21q21.1.
Variant type: single nucleotide variant.
Coding change: c.479A>G on transcript NM_002772.3 (MANE Select); coding-DNA position 479, A replaced by G.
Protein change: p.Asn160Ser; replaces asparagine 160 with serine.
Molecular consequence: missense variant.
Genome position (GRCh38, 1-based): chr21:18,383,644, T>C on the plus strand (A>G on the coding strand, the complement: TMPRSS15 is on the minus strand). VCF-style: chr21-18383644-T-C. GRCh37 (hg19) VCF-style: chr21-19755961-T-C.
Other names: short protein forms N160S.
Identifiers: ClinVar variation 2101806 (VCV002101806.4), dbSNP rs1322038082, ClinGen allele CA409852931.
Genomic context (GRCh38, chr21:18,383,644, plus strand): 5'-ATAGCTTAATGATTCAAAGAAATCAAATAATGTTCACACATACCTAGGATATCAACGCTG[T>C]TCAAATCAATATGGAAAGTGACCAGTTGGCTGGATTTATTTGCTTCAAGGCCTTGAATCA-3'
Protein context (NP_002763.3, residues 150-170): SQLVTFHIDL[Asn160Ser]SVDILDKLTT

ClinVar aggregate classification (germline): Uncertain significance (1 of 4 stars; one submission).

Allele frequency attached by ClinVar (database versions not stated): TOPMed below 0.00001.

Submission:

Labcorp Genetics (formerly Invitae), Labcorp
Classification: Uncertain significance. Last evaluated: 2024-12-02. Review status: criteria provided, single submitter. Criteria: Invitae Variant Classification Sherloc (09022015). Collection method: clinical testing. Allele origin: germline.
Comment: This sequence change replaces asparagine, which is neutral and polar, with serine, which is neutral and polar, at codon 160 of the TMPRSS15 protein (p.Asn160Ser). This variant is not present in population databases (gnomAD no frequency). This variant has not been reported in the literature in individuals affected with TMPRSS15-related conditions. ClinVar contains an entry for this variant (Variation ID: 2101806). An algorithm developed to predict the effect of missense changes on protein structure and function outputs the following: PolyPhen-2: "Benign". The serine amino acid residue is found in multiple mammalian species, which suggests that this missense change does not adversely affect protein function. In summary, the available evidence is currently insufficient to determine the role of this variant in disease. Therefore, it has been classified as a Variant of Uncertain Significance.